The following is an entry in ClinVar:

ClinVar aggregate classification (germline): Uncertain significance (1 of 4 stars; one submission).

Conditions:
Autosomal recessive ataxia, Beauce type. Also called: SYNE1-Related Autosomal Recessive Cerebellar Ataxia; Spinocerebellar ataxia, autosomal recessive 8; ATAXIA, RECESSIVE, OF BEAUCE; SYNE1 Deficiency. Identifiers: Orphanet 88644, MedGen C1853116, MONDO:0012549, OMIM 610743.
Emery-Dreifuss muscular dystrophy 4, autosomal dominant (EDMD4). Also called: EMERY-DREIFUSS MUSCULAR DYSTROPHY 4 WITH VARIABLE FEATURES. Identifiers: Orphanet 261, MedGen C2751807, MONDO:0013071, OMIM 612998.

Submission:

Labcorp Genetics (formerly Invitae), Labcorp
Classification: Uncertain significance for Emery-Dreifuss muscular dystrophy 4, autosomal dominant; Autosomal recessive ataxia, Beauce type. Last evaluated: 2021-12-02. Review status: criteria provided, single submitter. Criteria: Invitae Variant Classification Sherloc (09022015). Collection method: clinical testing. Allele origin: germline.
Comment: In summary, the available evidence is currently insufficient to determine the role of this variant in disease. Therefore, it has been classified as a Variant of Uncertain Significance. Algorithms developed to predict the effect of missense changes on protein structure and function are either unavailable or do not agree on the potential impact of this missense change (SIFT: "Deleterious"; PolyPhen-2: "Benign"; Align-GVGD: "Class C25"). This variant has not been reported in the literature in individuals affected with SYNE1-related conditions. This variant is not present in population databases (gnomAD no frequency). This sequence change replaces glutamine, which is neutral and polar, with glutamic acid, which is acidic and polar, at codon 6994 of the SYNE1 protein (p.Gln6994Glu).

NM_182961.4(SYNE1):c.21193C>G (p.Gln7065Glu)

Gene: SYNE1 (spectrin repeat containing nuclear envelope protein 1; minus strand). Cytogenetic location: 6q25.2.
Variant type: single nucleotide variant.
Coding change: c.21193C>G on transcript NM_182961.4 (MANE Select); coding-DNA position 21193, C replaced by G.
Protein change: p.Gln7065Glu; replaces glutamine 7065 with glutamic acid.
Molecular consequence: missense variant.
Genome position (GRCh38, 1-based): chr6:152,230,549, G>C on the plus strand (C>G on the coding strand, the complement: SYNE1 is on the minus strand). VCF-style: chr6-152230549-G-C. GRCh37 (hg19) VCF-style: chr6-152551684-G-C.
Other names: c.20980C>G, p.Gln6994Glu (NM_033071.5); short protein forms Q6994E, Q7065E.
Identifiers: ClinVar variation 1479190 (VCV001479190.6), dbSNP rs2153509038, ClinGen allele CA366111543.